The following is an entry in ClinVar:

ClinVar aggregate classification (germline): Uncertain significance. Review status: criteria provided, multiple submitters, no conflicts (2 of 4 stars). 3 submissions from 3 submitters: Uncertain significance (3). Last evaluated 2025-10-15.

Conditions:
Inborn genetic diseases. Identifiers: MedGen C0950123, MeSH D030342.

Allele frequency attached by ClinVar (database versions not stated): gnomAD 0.00001; gnomAD exomes 0.00001 and 0.00002; ExAC 0.00003.
gnomAD v4.1: 15 of 1,613,814 alleles (0.00093%); highest among the groups gnomAD compares: Admixed American, 0.0083%; no homozygotes.

Submissions (3):

Ambry Genetics
Classification: Uncertain significance for Inborn genetic diseases. Last evaluated: 2025-10-15. Review status: criteria provided, single submitter. Criteria: Ambry Variant Classification Scheme 2023. Collection method: clinical testing. Allele origin: germline.

Labcorp Genetics (formerly Invitae), Labcorp
Classification: Uncertain significance. Last evaluated: 2023-11-18. Review status: criteria provided, single submitter. Criteria: Invitae Variant Classification Sherloc (09022015). Collection method: clinical testing. Allele origin: germline.
Comment: This sequence change replaces aspartic acid, which is acidic and polar, with asparagine, which is neutral and polar, at codon 3664 of the ANK3 protein (p.Asp3664Asn). This variant is present in population databases (rs781254027, gnomAD 0.006%). This variant has not been reported in the literature in individuals affected with ANK3-related conditions. ClinVar contains an entry for this variant (Variation ID: 1508661). An algorithm developed to predict the effect of missense changes on protein structure and function (PolyPhen-2) suggests that this variant is likely to be disruptive. In summary, the available evidence is currently insufficient to determine the role of this variant in disease. Therefore, it has been classified as a Variant of Uncertain Significance.

CeGaT Center for Human Genetics Tuebingen
Classification: Uncertain significance. Last evaluated: 2023-04-01. Review status: criteria provided, single submitter. Criteria: CeGaT Center For Human Genetics Tuebingen Variant Classification Criteria Version 2. Collection method: clinical testing. Allele origin: germline. Affected: yes. Observed: 1 variant allele.
Comment: ANK3: PM2, BP4

NM_020987.5(ANK3):c.10990G>A (p.Asp3664Asn)

Gene: ANK3 (ankyrin 3; minus strand). Cytogenetic location: 10q21.2.
Variant type: single nucleotide variant.
Coding change: c.10990G>A on transcript NM_020987.5 (MANE Select); coding-DNA position 10990, G replaced by A.
Protein change: p.Asp3664Asn; replaces aspartic acid 3664 with asparagine.
Molecular consequence: missense variant. On other transcripts: intron variant (4).
Genome position (GRCh38, 1-based): chr10:60,069,891, C>T on the plus strand (G>A on the coding strand, the complement: ANK3 is on the minus strand). VCF-style: chr10-60069891-C-T. GRCh37 (hg19) VCF-style: chr10-61829649-C-T.
Other names: c.10990G>A (NM_020987.3); c.4388-1882G>A (NM_001204403.2); c.4409-1882G>A (NM_001204404.2); c.4406-1882G>A (NM_001320874.2); c.1808-1882G>A (NM_001149.4); short protein forms D3664N.
Identifiers: ClinVar variation 1508661 (VCV001508661.30), dbSNP rs781254027, ClinGen allele CA5511176.
Genomic context (GRCh38, chr10:60,069,891, plus strand): 5'-GGTTAGGTTCCACTGTAGGTGTCTCTACATTTCTCTCTAGATTGGTTTCTACAGTGGTGT[C>T]CCCTGACTGTGGCTGTGGTGTGGCAGTGACCATACTTTTATCCCCTTCCCCCTGGTCCCC-3'
Protein context (NP_066267.2, residues 3654-3674): VTATPQPQSG[Asp3664Asn]TTVETNLERN